The following is an entry in ClinVar:

NM_032888.4(COL27A1):c.2169+2T>A

Gene: COL27A1 (collagen type XXVII alpha 1 chain; plus strand). Cytogenetic location: 9q32.
Variant type: single nucleotide variant.
Coding change: c.2169+2T>A on transcript NM_032888.4 (MANE Select); the canonical splice donor site of the intron after coding-DNA position 2169, T replaced by A.
Molecular consequence: splice donor variant.
Genome position (GRCh38, 1-based): chr9:114,205,148, T>A. VCF-style: chr9-114205148-T-A. GRCh37 (hg19) VCF-style: chr9-116967428-T-A.
Identifiers: ClinVar variation 2096998 (VCV002096998.4), dbSNP rs1588655345, ClinGen allele CA374600325.

ClinVar aggregate classification (germline): Likely pathogenic (1 of 4 stars; one submission).

Submission:

Labcorp Genetics (formerly Invitae), Labcorp
Classification: Likely pathogenic. Last evaluated: 2022-02-25. Review status: criteria provided, single submitter. Criteria: Invitae Variant Classification Sherloc (09022015). Collection method: clinical testing. Allele origin: germline.
Comment: In summary, the currently available evidence indicates that the variant is pathogenic, but additional data are needed to prove that conclusively. Therefore, this variant has been classified as Likely Pathogenic. Algorithms developed to predict the effect of sequence changes on RNA splicing suggest that this variant may disrupt the consensus splice site. This variant has not been reported in the literature in individuals affected with COL27A1-related conditions. This variant is not present in population databases (gnomAD no frequency). This sequence change affects a donor splice site in intron 8 of the COL27A1 gene. It is expected to disrupt RNA splicing. Variants that disrupt the donor or acceptor splice site typically lead to a loss of protein function (PMID: 16199547), and loss-of-function variants in COL27A1 are known to be pathogenic (PMID: 24986830, 28276056).

Literature cited by the submitters: PubMed 16199547; PubMed 24986830; PubMed 28276056.